The following is an entry in ClinVar:

ClinVar aggregate classification (germline): Benign (1 of 4 stars; one submission).

Conditions:
Congenital microvillous atrophy (DIAR2). Also called: DAVIDSON DISEASE; MICROVILLUS ATROPHY, CONGENITAL; Microvillus inclusion disease; Diarrhea 2 with microvillus atrophy, with or without cholestasis; CONGENITAL FAMILIAL PROTRACTED DIARRHEA WITH ENTEROCYTE BRUSH-BORDER ABNORMALITIES. Identifiers: Orphanet 2290, MedGen C0341306, MONDO:0009635, OMIM 251850.

Allele frequency attached by ClinVar (database versions not stated): gnomAD 0.00776 and 0.00836; TOPMed 0.00858; 1000 Genomes Project 0.00899; 1000 Genomes Project 30x 0.00953.

Submission:

Illumina Laboratory Services, Illumina
Classification: Benign for Congenital microvillous atrophy. Last evaluated: 2018-01-12. Review status: criteria provided, single submitter. Criteria: ICSL Variant Classification Criteria 13 December 2019. Collection method: clinical testing. Allele origin: germline.
Comment: This variant was observed in the ICSL laboratory as part of a predisposition screen in an ostensibly healthy population. It had not been previously curated by ICSL or reported in the Human Gene Mutation Database (HGMD: prior to June 1st, 2018), and was therefore a candidate for classification through an automated scoring system. Utilizing variant allele frequency, disease prevalence and penetrance estimates, and inheritance mode, an automated score was calculated to assess if this variant is too frequent to cause the disease. Based on the score and internal cut-off values, a variant classified as benign is not then subjected to further curation. The score for this variant resulted in a classification of benign for this disease.

NM_001080467.3(MYO5B):c.*1610G>C

Genes: SNHG22 (small nucleolar RNA host gene 22; plus strand), MYO5B (myosin VB; minus strand). Cytogenetic location: 18q21.1.
Variant type: single nucleotide variant.
Coding change: c.*1610G>C on transcript NM_001080467.3 (MANE Select); 1610 bases downstream of the stop codon, G replaced by C.
Molecular consequence: 3 prime UTR variant.
Genome position (GRCh38, 1-based): chr18:49,824,861, C>G on the plus strand (G>C on the coding strand, the complement: MYO5B is on the minus strand). VCF-style: chr18-49824861-C-G. GRCh37 (hg19) VCF-style: chr18-47351231-C-G.
Identifiers: ClinVar variation 326967 (VCV000326967.5), dbSNP rs148887718, ClinGen allele CA10651697.